The following is an entry in ClinVar:

NM_177438.3(DICER1):c.306T>C (p.Ser102=)

Gene: DICER1 (dicer 1, ribonuclease III; minus strand). Cytogenetic location: 14q32.13.
Variant type: single nucleotide variant.
Coding change: c.306T>C on transcript NM_177438.3 (MANE Select); coding-DNA position 306, T replaced by C.
Protein change: p.Ser102=; no amino-acid change (serine 102 retained).
Molecular consequence: synonymous variant.
Genome position (GRCh38, 1-based): chr14:95,132,516, A>G on the plus strand (T>C on the coding strand, the complement: DICER1 is on the minus strand). VCF-style: chr14-95132516-A-G. GRCh37 (hg19) VCF-style: chr14-95598853-A-G.
Other names: c.306T>C, p.Ser102= (NM_001195573.1, NM_001271282.3, NM_001291628.2 and 1 more transcripts).
Identifiers: ClinVar variation 706712 (VCV000706712.19), dbSNP rs982548109, ClinGen allele CA265927325.

ClinVar aggregate classification (germline): Conflicting classifications of pathogenicity. Review status: criteria provided, conflicting classifications (1 of 4 stars). 4 submissions from 4 submitters: Uncertain significance (1); Likely benign (3). Last evaluated 2025-08-11.

Conditions:
DICER1-related tumor predisposition. Also called: DICER1-related pleuropulmonary blastoma cancer predisposition syndrome; DICER1 syndrome. Identifiers: Orphanet 284343, MedGen C3839822, MONDO:0100216.
Hereditary cancer-predisposing syndrome. Also called: Neoplastic Syndromes, Hereditary; Tumor predisposition; Hereditary Cancer Syndrome; Hereditary neoplastic syndrome. Identifiers: Orphanet 140162, MedGen C0027672, MeSH D009386, MONDO:0015356.
DICER1-related disorder. Also called: DICER1-related condition.

Allele frequency attached by ClinVar (database versions not stated): gnomAD exomes 0.00001.
gnomAD v4.1: 8 of 1,613,938 alleles (0.0005%); highest among the groups gnomAD compares: Middle Eastern, 0.017%; no homozygotes.

Submissions (4):

Labcorp Genetics (formerly Invitae), Labcorp
Classification: Likely benign for DICER1-related tumor predisposition. Last evaluated: 2025-08-11. Review status: criteria provided, single submitter. Criteria: Invitae Variant Classification Sherloc (09022015). Collection method: clinical testing. Allele origin: germline.

Quest Diagnostics Nichols Institute San Juan Capistrano
Classification: Uncertain significance. Last evaluated: 2025-05-28. Review status: criteria provided, single submitter. Criteria: Quest Diagnostics criteria. Collection method: clinical testing. Allele origin: unknown.
Comment: The DICER1 c.306T>C (p.Ser102=) synonymous variant has not been reported in individuals with DICER1-related conditions in the published literature. It also has not been reported in large, multi-ethnic general populations (Genome Aggregation Database). Analysis of this variant using software algorithms for the prediction of the effect of nucleotide changes on splicing yielded predictions that this variant does not affect DICER1 mRNA splicing. Based on the available information, we are unable to determine the clinical significance of this variant.

PreventionGenetics, part of Exact Sciences
Classification: Likely benign for DICER1-related condition. Last evaluated: 2024-11-03. Review status: criteria provided, single submitter. Criteria: ACMG Guidelines, 2015. Collection method: clinical testing. Allele origin: germline.
Comment: This variant is classified as likely benign based on ACMG/AMP sequence variant interpretation guidelines (Richards et al. 2015 PMID: 25741868, with internal and published modifications).

Ambry Genetics
Classification: Likely benign for Hereditary cancer-predisposing syndrome. Last evaluated: 2018-07-09. Review status: criteria provided, single submitter. Criteria: Ambry Variant Classification Scheme 2023. Collection method: clinical testing. Allele origin: germline.